The following is an entry in ClinVar:

ClinVar aggregate classification (germline): Pathogenic. Review status: reviewed by expert panel (3 of 4 stars). 2 submissions from 2 submitters: Pathogenic (1). 1 of the submissions does not count toward it. Last evaluated 2024-04-25.

Conditions:
Creatine transporter deficiency (CCDS1). Also called: CEREBRAL CREATINE DEFICIENCY SYNDROME 1; Mental retardation , X-linked with seizures, short stature and midface hypoplasia; Mental retardation , X-linked, with creatine transport deficiency; X-linked creatine transporter deficiency; X-linked creatine deficiency syndrome; SLC6A8-Related Creatine Transporter Deficiency. Identifiers: Orphanet 52503, MedGen C1845862, MONDO:0010305, OMIM 300352.

Submissions (2):

ClinGen Cerebral Creatine Deficiency Syndromes Variant Curation Expert Panel, ClinGen
Classification: Pathogenic for Creatine transporter deficiency. Last evaluated: 2024-04-25. Review status: reviewed by expert panel. Criteria: ClinGen_CCDS_ACMG_Specifications_SLC6A8_v1.1. Collection method: curation. Allele origin: germline. Inheritance: X-linked inheritance.
Comment: The NM_005629.4:c.1392+24_1393-30del variant results in deletion of part of intron 9 of SLC6A8. RT-PCR analysis showed that this variant results in two abnormal splice products (intron 9 retention and skipping of exon 10) (PMID: 20717164) (PVS1_Moderate). This variant has been reported two unrelated males with intellectual disability, language delay, epilepsy, elevated urine creatine/creatinine ratio and a reduced creatine peak on brain MRS (PMID: 20717164, 20501887) (PP4_strong, PS4_supporting). Maternal testing of one proband was negative for the variant (PMID: 20717164) (PM6). The variant is absent in gnomAD v2.1.1 (PM2_supporting). In summary, this variant meets the criteria to be classified as pathogenic for creatine transporter deficiency. SLC6A8-specific criteria met, as specified by the ClinGen CCDS VCEP (Specifications Version 1.1.0): PVS1_moderate, PP4_strong, PM6, PS4_supporting, PM2_supporting. (Classification approved by the ClinGen CCDS VCEP on April 25, 2024).

Labcorp Genetics (formerly Invitae), Labcorp
Classification: Uncertain significance for Creatine transporter deficiency. Last evaluated: 2024-09-12. Review status: criteria provided, single submitter. Criteria: Invitae Variant Classification Sherloc (09022015). Collection method: clinical testing. Allele origin: germline. Not counted in ClinVar's aggregate classification.
Comment: This sequence change falls in intron 9 of the SLC6A8 gene. It does not directly change the encoded amino acid sequence of the SLC6A8 protein. This variant is not present in population databases (gnomAD no frequency). This variant has been observed in individual(s) with creatine transporter deficiency (PMID: 20501887). Experimental studies and prediction algorithms are not available or were not evaluated, and the effect of this variant on mRNA splicing is currently unknown. In summary, the available evidence is currently insufficient to determine the role of this variant in disease. Therefore, it has been classified as a Variant of Uncertain Significance.

Literature cited by the submitters: PubMed 20501887 (cited by Labcorp Genetics (formerly Invitae), Labcorp).

NM_005629.4(SLC6A8):c.1392+24_1393-30del

Gene: SLC6A8 (solute carrier family 6 member 8; plus strand). Cytogenetic location: Xq28.
Variant type: Deletion.
Coding change: c.1392+24_1393-30del on transcript NM_005629.4 (MANE Select); 24 bases into the intron after coding-DNA position 1392 through 30 bases into the intron before coding-DNA position 1393, 24 bases deleted (TGTGACCTCTGGTGGCCGTCTGCC).
Molecular consequence: intron variant.
Genome position (GRCh38, 1-based): chrX:153,694,291-153,694,314, TGTGACCTCTGGTGGCCGTCTGCC deleted; deleting any 24 consecutive bases within chrX:153,694,284-153,694,314 gives the same sequence; the c. name uses the placement nearest the transcript's 3' end. VCF-style (leftmost placement, unchanged base first): chrX-153694283-GGTCTGCCTGTGACCTCTGGTGGCC-G. GRCh37 (hg19) VCF-style: chrX-152959738-GGTCTGCCTGTGACCTCTGGTGGCC-G.
Other names: NM_001142805.2:c.1362+24_1363-30del; c.1362+24_1363-30del (NM_001142805.2); c.1047+24_1048-30del (NM_001142806.1).
Identifiers: ClinVar variation 3256149 (VCV003256149.3).
Genomic context (GRCh38, chrX:153,694,283, plus strand): 5'-TGTTGTGCCCTCTGCTTTGTCATCGATCTCTCCATGGTGACTGATGTGAGTGGGGTGGGG[GGTCTGCCTGTGACCTCTGGTGGCC>G]GTCTGCCATCCTCCCTGACTGGGCTCTGTCCCCCAGGGCGGGATGTACGTCTTCCAGCTG-3'